The following is an entry in ClinVar:

ClinVar aggregate classification (germline): Likely benign (0 of 4 stars; one submission).

Conditions:
MAPK8IP3-related disorder. Also called: MAPK8IP3-related condition.

Allele frequency attached by ClinVar (database versions not stated): gnomAD exomes below 0.00001; ExAC 0.00001; gnomAD 0.00001.
gnomAD v4.1: 3 of 1,613,570 alleles (0.00019%); highest among the groups gnomAD compares: East Asian, 0.0022%; no homozygotes.

Submission:

PreventionGenetics, part of Exact Sciences
Classification: Likely benign for MAPK8IP3-related condition. Last evaluated: 2023-03-21. Review status: no assertion criteria provided. Collection method: clinical testing. Allele origin: germline.
Comment: This variant is classified as likely benign based on ACMG/AMP sequence variant interpretation guidelines (Richards et al. 2015 PMID: 25741868, with internal and published modifications).

NM_001318852.2(MAPK8IP3):c.1218G>A (p.Gly406=)

Gene: MAPK8IP3 (mitogen-activated protein kinase 8 interacting protein 3; plus strand). Cytogenetic location: 16p13.3.
Variant type: single nucleotide variant.
Coding change: c.1218G>A on transcript NM_001318852.2 (MANE Select); coding-DNA position 1218, G replaced by A.
Protein change: p.Gly406=; no amino-acid change (glycine 406 retained).
Molecular consequence: synonymous variant.
Genome position (GRCh38, 1-based): chr16:1,758,149, G>A. VCF-style: chr16-1758149-G-A. GRCh37 (hg19) VCF-style: chr16-1808150-G-A.
Other names: c.1215G>A, p.Gly405= (NM_001040439.2, NM_015133.5, NM_033392.3).
Identifiers: ClinVar variation 3053494 (VCV003053494.2), dbSNP rs774435754, ClinGen allele CA7816716.
Genomic context (GRCh38, chr16:1,758,149, plus strand): 5'-CCTAATTGACCTTTGTCCCTTCCTTCCCCTGCCTCTCTGTGCGTCGCTGGACTCGCCAGG[G>A]GAGTTCTCAGGTGAGTATCTCACTCTCCTGTCTGTCTCCCCTCTGTGTGACGGGGGGAGT-3'
Protein context (NP_001305781.1, residues 396-416): GDVDEGADLL[Gly406=]EFSVRDDFFG